The following is an entry in ClinVar:

NM_170606.3(KMT2C):c.7207C>T (p.Arg2403Ter)

Gene: KMT2C (lysine methyltransferase 2C; minus strand). Cytogenetic location: 7q36.1.
Variant type: single nucleotide variant.
Coding change: c.7207C>T on transcript NM_170606.3 (MANE Select); coding-DNA position 7207, C replaced by T.
Protein change: p.Arg2403Ter; replaces arginine 2403 with a stop codon.
Molecular consequence: nonsense.
Genome position (GRCh38, 1-based): chr7:152,180,069, G>A on the plus strand (C>T on the coding strand, the complement: KMT2C is on the minus strand). VCF-style: chr7-152180069-G-A. GRCh37 (hg19) VCF-style: chr7-151877154-G-A.
Other names: short protein forms R2403*.
Identifiers: ClinVar variation 982818 (VCV000982818.2), dbSNP rs767365126, ClinGen allele CA4579918.

ClinVar aggregate classification (germline): Conflicting classifications of pathogenicity. Review status: criteria provided, conflicting classifications (1 of 4 stars). 2 submissions from 2 submitters: Likely pathogenic (1); Uncertain significance (1). Last evaluated 2019-01-01.

Conditions:
Kleefstra syndrome 2 (KLEFS2). Identifiers: MedGen C4540395, MONDO:0054701, OMIM 617768.
Neurodevelopmental delay. Identifiers: MedGen C4022738, HP:0012758.

Allele frequency attached by ClinVar (database versions not stated): gnomAD exomes below 0.00001; ExAC 0.00001.
gnomAD v4.1: 2 of 1,614,142 alleles (0.00012%); highest among the groups gnomAD compares: Non-Finnish European, 0.00017%; no homozygotes.

Submissions (2):

Institute of Human Genetics, University of Leipzig Medical Center
Classification: Uncertain significance for Kleefstra syndrome 2. Last evaluated: 2019-01-01. Review status: criteria provided, single submitter. Criteria: ACMG Guidelines, 2015. Collection method: clinical testing. Allele origin: de novo. Affected: yes.
Comment: This variant was identified as de novo.

Centre de Biologie Pathologie Génétique, Centre Hospitalier Universitaire de Lille
Classification: Likely pathogenic for Neurodevelopmental delay. Review status: criteria provided, single submitter. Criteria: ACMG Guidelines, 2015. Collection method: clinical testing. Allele origin: de novo. Affected: yes.